The following is an entry in ClinVar:

NM_000392.5(ABCC2):c.34-8G>A

Genes: ABCC2 (ATP binding cassette subfamily C member 2; plus strand), LOC108281165 (MED14-independent group 3 enhancer GRCh37_chr10:101544125-101545324; plus strand). Cytogenetic location: 10q24.2.
Variant type: single nucleotide variant.
Coding change: c.34-8G>A on transcript NM_000392.5 (MANE Select); 8 bases into the intron before coding-DNA position 34, G replaced by A.
Molecular consequence: intron variant.
Genome position (GRCh38, 1-based): chr10:99,784,600, G>A. VCF-style: chr10-99784600-G-A. GRCh37 (hg19) VCF-style: chr10-101544357-G-A.
Other names: p.?.
Identifiers: ClinVar variation 708493 (VCV000708493.13), dbSNP rs17222610, ClinGen allele CA5642766.

ClinVar aggregate classification (germline): Conflicting classifications of pathogenicity. Review status: criteria provided, conflicting classifications (1 of 4 stars). 3 submissions from 3 submitters: Uncertain significance (1); Benign (2). Last evaluated 2026-01-31.

Conditions:
Dubin-Johnson syndrome (DJS). Also called: Hyperbilirubinemia type 2; HYPERBILIRUBINEMIA, DUBIN-JOHNSON TYPE; Jaundice, Chronic Idiopathic. Identifiers: Orphanet 234, MedGen C0022350, MONDO:0009380, OMIM 237500.

Allele frequency attached by ClinVar (database versions not stated): gnomAD exomes 0.00132; ExAC 0.00151; 1000 Genomes Project 0.00399; gnomAD 0.00448 and 0.00477; ESP Exome Variant Server 0.00454; 1000 Genomes Project 30x 0.00500; TOPMed 0.00505.
gnomAD v4.1: 1,276 of 1,613,734 alleles (0.079%); highest among the groups gnomAD compares: African/African-American, 1.4%; 9 homozygotes.

Submissions (3):

Labcorp Genetics (formerly Invitae), Labcorp
Classification: Benign. Last evaluated: 2026-01-31. Review status: criteria provided, single submitter. Criteria: Invitae Variant Classification Sherloc (09022015). Collection method: clinical testing. Allele origin: germline.

Mayo Clinic Laboratories, Mayo Clinic
Classification: Benign. Last evaluated: 2023-12-11. Review status: criteria provided, single submitter. Criteria: ACMG Guidelines, 2015. Collection method: clinical testing. Allele origin: germline. Observed: 4 variant alleles.
Comment: BA1, BP4, BP7

Illumina Laboratory Services, Illumina
Classification: Uncertain significance for Dubin-Johnson syndrome. Last evaluated: 2017-04-27. Review status: criteria provided, single submitter. Criteria: ICSL Variant Classification Criteria 13 December 2019. Collection method: clinical testing. Allele origin: germline.